The following is an entry in ClinVar:

ClinVar aggregate classification (germline): Benign. Review status: criteria provided, multiple submitters, no conflicts (2 of 4 stars). 5 submissions from 5 submitters: Benign (5). Last evaluated 2026-02-03.

Conditions:
Retinal dystrophy. Also called: Inherited retinal dystrophy. Identifiers: Orphanet 71862, MedGen C0854723, MeSH D058499, MONDO:0019118, HP:0000556.
Retinitis pigmentosa 54 (RP54). Identifiers: Orphanet 791, MedGen C3150691, MONDO:0013263, OMIM 613428.
Retinitis pigmentosa (RP). Identifiers: Orphanet 791, MedGen C0035334, MeSH D012174, MONDO:0019200, OMIM 268000. Inheritance: Autosomal dominant, autosomal recessive and X linked inheritance.

Allele frequency attached by ClinVar (database versions not stated): 1000 Genomes Project 0.11661; 1000 Genomes Project 30x 0.11711; gnomAD 0.15604 and 0.15707; TOPMed 0.15941; gnomAD exomes 0.16512 and 0.20448; ExAC 0.17088; ESP Exome Variant Server 0.17319.
gnomAD v4.1: 319,360 of 1,598,386 alleles (20%); highest among the groups gnomAD compares: Non-Finnish European, 23%; 34,411 homozygotes.

Submissions (5):

Labcorp Genetics (formerly Invitae), Labcorp
Classification: Benign. Last evaluated: 2026-02-03. Review status: criteria provided, single submitter. Criteria: Invitae Variant Classification Sherloc (09022015). Collection method: clinical testing. Allele origin: germline.

Dept Of Ophthalmology, Nagoya University
Classification: Benign for Retinal dystrophy. Last evaluated: 2023-10-01. Review status: criteria provided, single submitter. Criteria: Submitter's publication. Collection method: research. Allele origin: germline. Affected: yes.

Genome-Nilou Lab
Classification: Benign for Retinitis pigmentosa 54. Last evaluated: 2021-07-14. Review status: criteria provided, single submitter. Criteria: ACMG Guidelines, 2015. Collection method: clinical testing. Allele origin: germline. Affected: no.

Illumina Laboratory Services, Illumina
Classification: Benign for Retinitis pigmentosa. Last evaluated: 2018-01-13. Review status: criteria provided, single submitter. Criteria: ICSL Variant Classification Criteria 13 December 2019. Collection method: clinical testing. Allele origin: germline.
Comment: This variant was observed in the ICSL laboratory as part of a predisposition screen in an ostensibly healthy population. It had not been previously curated by ICSL or reported in the Human Gene Mutation Database (HGMD: prior to June 1st, 2018), and was therefore a candidate for classification through an automated scoring system. Utilizing variant allele frequency, disease prevalence and penetrance estimates, and inheritance mode, an automated score was calculated to assess if this variant is too frequent to cause the disease. Based on the score and internal cut-off values, a variant classified as benign is not then subjected to further curation. The score for this variant resulted in a classification of benign for this disease.

Breakthrough Genomics
Classification: Benign. Review status: criteria provided, single submitter. Criteria: ACMG Guidelines, 2015. Collection method: not provided. Allele origin: germline. Inheritance: Unknown mechanism. Affected: yes.

NM_001029883.3(PCARE):c.60G>A (p.Gln20=)

Gene: PCARE (photoreceptor cilium actin regulator; minus strand). Cytogenetic location: 2p23.2.
Variant type: single nucleotide variant.
Coding change: c.60G>A on transcript NM_001029883.3 (MANE Select); coding-DNA position 60, G replaced by A.
Protein change: p.Gln20=; no amino-acid change (glutamine 20 retained).
Molecular consequence: synonymous variant.
Genome position (GRCh38, 1-based): chr2:29,074,202, C>T on the plus strand (G>A on the coding strand, the complement: PCARE is on the minus strand). VCF-style: chr2-29074202-C-T. GRCh37 (hg19) VCF-style: chr2-29297068-C-T.
Identifiers: ClinVar variation 335674 (VCV000335674.18), dbSNP rs35929540, ClinGen allele CA1592730.